The following is an entry in ClinVar:

NM_006912.6(RIT1):c.237+8A>G

Gene: RIT1 (Ras like without CAAX 1; minus strand). Cytogenetic location: 1q22.
Variant type: single nucleotide variant.
Coding change: c.237+8A>G on transcript NM_006912.6 (MANE Select); 8 bases into the intron after coding-DNA position 237, A replaced by G.
Molecular consequence: intron variant.
Genome position (GRCh38, 1-based): chr1:155,904,723, T>C on the plus strand (A>G on the coding strand, the complement: RIT1 is on the minus strand). VCF-style: chr1-155904723-T-C. GRCh37 (hg19) VCF-style: chr1-155874514-T-C.
Other names: c.129+8A>G (NM_001256820.2); c.288+8A>G (NM_001256821.2); c.237+8A>G (LRG_1372t1).
Identifiers: ClinVar variation 507907 (VCV000507907.1), dbSNP rs1553228977, ClinGen allele CA658795523.

ClinVar aggregate classification (germline): Likely benign (1 of 4 stars; one submission).

Submission:

GeneDx
Classification: Likely benign. Last evaluated: 2017-03-07. Review status: criteria provided, single submitter. Criteria: GeneDx Variant Classification (06012015). Collection method: clinical testing. Allele origin: germline. Affected: yes.
Comment: This variant is considered likely benign or benign based on one or more of the following criteria: it is a conservative change, it occurs at a poorly conserved position in the protein, it is predicted to be benign by multiple in silico algorithms, and/or has population frequency not consistent with disease.